The following is an entry in ClinVar:

NM_007294.4(BRCA1):c.2330A>G (p.Tyr777Cys)

Gene: BRCA1 (BRCA1 DNA repair associated; minus strand). Cytogenetic location: 17q21.31.
Variant type: single nucleotide variant.
Coding change: c.2330A>G on transcript NM_007294.4 (MANE Select); coding-DNA position 2330, A replaced by G.
Protein change: p.Tyr777Cys; replaces tyrosine 777 with cysteine.
Molecular consequence: missense variant. On other transcripts: intron variant (137).
Genome position (GRCh38, 1-based): chr17:43,093,201, T>C on the plus strand (A>G on the coding strand, the complement: BRCA1 is on the minus strand). VCF-style: chr17-43093201-T-C. GRCh37 (hg19) VCF-style: chr17-41245218-T-C.
Other names: c.2204A>G, p.Tyr735Cys (NM_001407689.1, NM_001407690.1, NM_001407691.1 and 11 more transcripts); c.787+1543A>G (NM_001407975.1, NM_001407971.1, NM_001407980.1 and 17 more transcripts); c.790+1540A>G (NM_001408406.1); c.646+1543A>G (NM_001408456.1, NM_001408458.1, NM_001408469.1 and 11 more transcripts); c.643+1543A>G (NM_001408465.1, NM_001408463.1, NM_001408470.1 and 3 more transcripts); c.664+1543A>G (NM_001408440.1, NM_001408428.1, NM_001408436.1 and 12 more transcripts); c.706+1543A>G (NM_001408416.1, NM_001408413.1); c.577+1543A>G (NM_001408484.1, NM_001408478.1, NM_001408482.1 and 9 more transcripts); and 41 more; short protein forms Y777C, Y730C, Y650C, Y689C, Y709C, Y710C, Y736C, Y750C.
Identifiers: ClinVar variation 133723 (VCV000133723.7), dbSNP rs587778116, ClinGen allele CA001556.

ClinVar aggregate classification (germline): Conflicting classifications of pathogenicity. Review status: criteria provided, conflicting classifications (1 of 4 stars). 3 submissions from 3 submitters: Uncertain significance (1); Likely benign (1). 1 of the submissions does not count toward it. Last evaluated 2023-09-21.

Conditions:
Hereditary cancer-predisposing syndrome. Also called: Tumor predisposition; Hereditary neoplastic syndrome; Neoplastic Syndromes, Hereditary; Hereditary Cancer Syndrome. Identifiers: Orphanet 140162, MedGen C0027672, MeSH D009386, MONDO:0015356.
Hereditary breast ovarian cancer syndrome. Also called: Hereditary breast and ovarian cancer; Breast and ovarian cancer; Hereditary breast and ovarian cancer syndrome (HBOC); Hereditary breast and/or ovarian cancer syndrome; Hereditary breast and ovarian cancer syndrome; BRCA1- and BRCA2-Associated Hereditary Breast and Ovarian Cancer. Identifiers: Orphanet 145, MedGen C0677776, MeSH D061325, MONDO:0003582. Disease mechanism: loss of function.

Submissions (3):

Labcorp Genetics (formerly Invitae), Labcorp
Classification: Uncertain significance for Hereditary breast ovarian cancer syndrome. Last evaluated: 2023-09-21. Review status: criteria provided, single submitter. Criteria: Invitae Variant Classification Sherloc (09022015). Collection method: clinical testing. Allele origin: germline.
Comment: This sequence change replaces tyrosine, which is neutral and polar, with cysteine, which is neutral and slightly polar, at codon 777 of the BRCA1 protein (p.Tyr777Cys). This variant is not present in population databases (gnomAD no frequency). This variant has not been reported in the literature in individuals affected with BRCA1-related conditions. ClinVar contains an entry for this variant (Variation ID: 133723). Advanced modeling of protein sequence and biophysical properties (such as structural, functional, and spatial information, amino acid conservation, physicochemical variation, residue mobility, and thermodynamic stability) performed at Invitae indicates that this missense variant is not expected to disrupt BRCA1 protein function. In summary, the available evidence is currently insufficient to determine the role of this variant in disease. Therefore, it has been classified as a Variant of Uncertain Significance.

University of Washington Department of Laboratory Medicine, University of Washington
Classification: Likely benign for Hereditary cancer-predisposing syndrome. Last evaluated: 2023-03-23. Review status: criteria provided, single submitter. Criteria: Dines et al. (Genet Med. 2020). Collection method: curation. Allele origin: germline.
Comment: Missense variant in a coldspot region where missense variants are very unlikely to be pathogenic (PMID:31911673).

BRCA1 coldspot (exon 11 using historical exon numbering). Reclassification based on statistical prior probability

ITMI
No classification provided. Condition: AllHighlyPenetrant. Last evaluated: 2013-09-19. Review status: no classification provided. Collection method: reference population. Allele origin: germline. Not counted in ClinVar's aggregate classification.
Comment: Please see associated publication for description of ethnicities

Literature cited by the submitters: PubMed 24728327 (cited by ITMI).